The following is an entry in ClinVar:

ClinVar aggregate classification (germline): Likely benign. Review status: criteria provided, multiple submitters, no conflicts (2 of 4 stars). 2 submissions from 2 submitters: Likely benign (2). Last evaluated 2024-12-01.

gnomAD v4.1: 114 of 1,605,806 alleles (0.0071%); highest among the groups gnomAD compares: Non-Finnish European, 0.0088%; no homozygotes.

Submissions (2):

CeGaT Center for Human Genetics Tuebingen
Classification: Likely benign. Last evaluated: 2024-12-01. Review status: criteria provided, single submitter. Criteria: CeGaT Center For Human Genetics Tuebingen Variant Classification Criteria Version 2. Collection method: clinical testing. Allele origin: germline. Affected: yes. Observed: 1 variant allele.
Comment: MECOM: BP4, BP7

Blueprint Genetics
Classification: Likely benign. Last evaluated: 2021-05-06. Review status: criteria provided, single submitter. Criteria: ACMG Guidelines, 2015. Collection method: clinical testing. Allele origin: germline.

NM_004991.4(MECOM):c.54T>C (p.Tyr18=)

Gene: MECOM (MDS1 and EVI1 complex locus; minus strand). Cytogenetic location: 3q26.2.
Variant type: single nucleotide variant.
Coding change: c.54T>C on transcript NM_004991.4 (MANE Select); coding-DNA position 54, T replaced by C.
Protein change: p.Tyr18=; no amino-acid change (tyrosine 18 retained).
Molecular consequence: synonymous variant. On other transcripts: intron variant (1).
Genome position (GRCh38, 1-based): chr3:169,381,508, A>G on the plus strand (T>C on the coding strand, the complement: MECOM is on the minus strand). VCF-style: chr3-169381508-A-G. GRCh37 (hg19) VCF-style: chr3-169099296-A-G.
Other names: c.54T>C, p.Tyr18= (NM_001366466.2, NM_001366473.2); c.-189-237676T>C (NM_001205194.2).
Identifiers: ClinVar variation 3771677 (VCV003771677.14).